The following is an entry in ClinVar:

ClinVar aggregate classification (germline): Uncertain significance (1 of 4 stars; one submission).

Allele frequency attached by ClinVar (database versions not stated): TOPMed below 0.00001.
gnomAD v4.1: 3 of 1,582,300 alleles (0.00019%); highest among the groups gnomAD compares: Non-Finnish European, 0.00026%; no homozygotes.

Submission:

GeneDx
Classification: Uncertain significance. Last evaluated: 2020-10-29. Review status: criteria provided, single submitter. Criteria: GeneDx Variant Classification Process June 2021. Collection method: clinical testing. Allele origin: germline. Affected: yes.
Comment: In silico analysis supports that this missense variant has a deleterious effect on protein structure/function; Has not been previously published as pathogenic or benign to our knowledge

NM_006593.4(TBR1):c.1837A>G (p.Ser613Gly)

Gene: TBR1 (T-box brain transcription factor 1; plus strand). Cytogenetic location: 2q24.2.
Variant type: single nucleotide variant.
Coding change: c.1837A>G on transcript NM_006593.4 (MANE Select); coding-DNA position 1837, A replaced by G.
Protein change: p.Ser613Gly; replaces serine 613 with glycine.
Molecular consequence: missense variant.
Genome position (GRCh38, 1-based): chr2:161,424,015, A>G. VCF-style: chr2-161424015-A-G. GRCh37 (hg19) VCF-style: chr2-162280526-A-G.
Other names: short protein forms S613G.
Identifiers: ClinVar variation 1313499 (VCV001313499.2), dbSNP rs1382397027, ClinGen allele CA349214569.
Genomic context (GRCh38, chr2:161,424,015, plus strand): 5'-CGCTCGCCGCTGCCGCCCGGCGCCGCCGAGGACGCCAAGCCCAAGGACCTGTCCGATTCC[A>G]GCTGGATCGAGACGCCCTCCTCGATCAAGTCCATCGACTCCAGCGACTCGGGGATTTACG-3'
Protein context (NP_006584.1, residues 603-623): DAKPKDLSDS[Ser613Gly]WIETPSSIKS